The following is an entry in ClinVar:

NM_001845.6(COL4A1):c.2695C>T (p.Pro899Ser)

Gene: COL4A1 (collagen type IV alpha 1 chain; minus strand). Cytogenetic location: 13q34.
Variant type: single nucleotide variant.
Coding change: c.2695C>T on transcript NM_001845.6 (MANE Select); coding-DNA position 2695, C replaced by T.
Protein change: p.Pro899Ser; replaces proline 899 with serine.
Molecular consequence: missense variant.
Genome position (GRCh38, 1-based): chr13:110,177,863, G>A on the plus strand (C>T on the coding strand, the complement: COL4A1 is on the minus strand). VCF-style: chr13-110177863-G-A. GRCh37 (hg19) VCF-style: chr13-110830210-G-A.
Other names: short protein forms P899S.
Identifiers: ClinVar variation 1516902 (VCV001516902.7), dbSNP rs1430850146, ClinGen allele CA388667431.

ClinVar aggregate classification (germline): Uncertain significance. Review status: criteria provided, multiple submitters, no conflicts (2 of 4 stars). 2 submissions from 2 submitters: Uncertain significance (2). Last evaluated 2021-10-27.

Allele frequency attached by ClinVar (database versions not stated): gnomAD exomes below 0.00001; TOPMed below 0.00001; gnomAD 0.00001.
gnomAD v4.1: 4 of 1,614,022 alleles (0.00025%); highest among the groups gnomAD compares: Non-Finnish European, 0.00025%; no homozygotes.

Submissions (2):

Labcorp Genetics (formerly Invitae), Labcorp
Classification: Uncertain significance. Last evaluated: 2021-10-27. Review status: criteria provided, single submitter. Criteria: Invitae Variant Classification Sherloc (09022015). Collection method: clinical testing. Allele origin: germline.
Comment: In summary, the available evidence is currently insufficient to determine the role of this variant in disease. Therefore, it has been classified as a Variant of Uncertain Significance. Advanced modeling of protein sequence and biophysical properties (such as structural, functional, and spatial information, amino acid conservation, physicochemical variation, residue mobility, and thermodynamic stability) performed at Invitae indicates that this missense variant is not expected to disrupt COL4A1 protein function. This variant has not been reported in the literature in individuals affected with COL4A1-related conditions. This variant is present in population databases (no rsID available, gnomAD 0.0009%). This sequence change replaces proline, a(n) neutral and non-polar amino acid, with serine, a(n) neutral and polar amino acid, at codon 899 of the COL4A1 protein (p.Pro899Ser).

Blueprint Genetics
Classification: Uncertain significance. Last evaluated: 2020-12-23. Review status: criteria provided, single submitter. Criteria: ACMG Guidelines, 2015. Collection method: clinical testing. Allele origin: germline.